The following is an entry in ClinVar:

NM_005050.4(ABCD4):c.362G>A (p.Arg121His)

Gene: ABCD4 (ATP binding cassette subfamily D member 4; minus strand). Cytogenetic location: 14q24.3.
Variant type: single nucleotide variant.
Coding change: c.362G>A on transcript NM_005050.4 (MANE Select); coding-DNA position 362, G replaced by A.
Protein change: p.Arg121His; replaces arginine 121 with histidine.
Molecular consequence: missense variant. On other transcripts: 5 prime UTR variant (12), non-coding transcript variant (9), intron variant (5).
Genome position (GRCh38, 1-based): chr14:74,297,993, C>T on the plus strand (G>A on the coding strand, the complement: ABCD4 is on the minus strand). VCF-style: chr14-74297993-C-T. GRCh37 (hg19) VCF-style: chr14-74764696-C-T.
Other names: c.-116G>A (NM_001353600.2, NM_001353598.2); c.-328G>A (NM_001353602.2); c.-333G>A (NM_001353603.2, NM_001353605.2, NM_001353606.2 and 3 more transcripts); c.362G>A, p.Arg121His (NM_020325.3, NM_001353591.2, NM_001353592.2); c.-269-1544G>A (NM_001353604.2); c.-52-1544G>A (NM_001353601.2, NM_020324.3, NM_001353599.2); c.-264-1544G>A (NM_001353608.2); c.101G>A, p.Arg34His (NM_001353593.2, NM_001353594.2); and 1 more; short protein forms R121H, R34H.
Identifiers: ClinVar variation 1432158 (VCV001432158.9), dbSNP rs201744101, ClinGen allele CA7267251.
Genomic context (GRCh38, chr14:74,297,993, plus strand): 5'-TTATCGATGTCATCCCGCAGCACGTTGAGGGTGTAGTACGCACGGCCCCGGAAGTAGAGG[C>T]GGTGAAGGTGCTCAGTGAGGTCCTTCCTCCAGCTCACATACAGCAGGTTGCAGGTGAACT-3'
Protein context (NP_005041.1, residues 111-131): WRKDLTEHLH[Arg121His]LYFRGRAYYT

ClinVar aggregate classification (germline): Uncertain significance. Review status: criteria provided, multiple submitters, no conflicts (2 of 4 stars). 5 submissions from 5 submitters: Uncertain significance (5). Last evaluated 2024-11-05.

Conditions:
Methylmalonic acidemia with homocystinuria, type cblJ (MAHCJ). Also called: METHYLMALONIC ACIDURIA AND HOMOCYSTINURIA, cblJ TYPE. Identifiers: Orphanet 369955, MedGen C3553915, MONDO:0013925, OMIM 614857.

Allele frequency attached by ClinVar (database versions not stated): gnomAD exomes 0.00002 and 0.00004; TOPMed 0.00002; ExAC 0.00004; gnomAD 0.00004; 1000 Genomes Project 30x 0.00016; 1000 Genomes Project 0.00020.
gnomAD v4.1: 65 of 1,613,954 alleles (0.004%); highest among the groups gnomAD compares: Middle Eastern, 0.017%; no homozygotes.

Submissions (5):

Labcorp Genetics (formerly Invitae), Labcorp
Classification: Uncertain significance for Methylmalonic acidemia with homocystinuria, type cblJ. Last evaluated: 2024-11-05. Review status: criteria provided, single submitter. Criteria: Invitae Variant Classification Sherloc (09022015). Collection method: clinical testing. Allele origin: germline.
Comment: This sequence change replaces arginine, which is basic and polar, with histidine, which is basic and polar, at codon 121 of the ABCD4 protein (p.Arg121His). This variant is present in population databases (rs201744101, gnomAD 0.005%). This missense change has been observed in individual(s) with ABCD4-related conditions (PMID: 30293248). ClinVar contains an entry for this variant (Variation ID: 1432158). Invitae Evidence Modeling of protein sequence and biophysical properties (such as structural, functional, and spatial information, amino acid conservation, physicochemical variation, residue mobility, and thermodynamic stability) indicates that this missense variant is not expected to disrupt ABCD4 protein function with a negative predictive value of 95%. In summary, the available evidence is currently insufficient to determine the role of this variant in disease. Therefore, it has been classified as a Variant of Uncertain Significance.

Women's Health and Genetics/Laboratory Corporation of America, LabCorp
Classification: Uncertain significance. Last evaluated: 2023-12-15. Review status: criteria provided, single submitter. Criteria: LabCorp Variant Classification Summary - May 2015. Collection method: clinical testing. Allele origin: germline.
Comment: Variant summary: ABCD4 c.362G>A (p.Arg121His) results in a non-conservative amino acid change located in the ABC transporter type 1, transmembrane domain (IPR011527) of the encoded protein sequence. Four of five in-silico tools predict a benign effect of the variant on protein function. The variant allele was found at a frequency of 2.4e-05 in 250944 control chromosomes (gnomAD). The available data on variant occurrences in the general population are insufficient to allow any conclusion about variant significance. c.362G>A has been reported in the literature in an individual affected with Methylmalonic Acidemia With Homocystinuria without strong evidence of causality (Nair_2018). This report does not provide unequivocal conclusions about association of the variant with Methylmalonic Acidemia With Homocystinuria. To our knowledge, no experimental evidence demonstrating an impact on protein function has been reported. The following publication has been ascertained in the context of this evaluation (PMID: 30293248). Three submitters have cited clinical-significance assessments for this variant to ClinVar after 2014. All submitters classified the variant as uncertain significance. Based on the evidence outlined above, the variant was classified as uncertain significance.

Fulgent Genetics
Classification: Uncertain significance for Methylmalonic acidemia with homocystinuria, type cblJ. Last evaluated: 2022-03-24. Review status: criteria provided, single submitter. Criteria: ACMG Guidelines, 2015. Collection method: clinical testing. Allele origin: unknown.

Revvity Omics, Revvity
Classification: Uncertain significance for Methylmalonic acidemia with homocystinuria, type cblJ. Last evaluated: 2020-03-04. Review status: criteria provided, single submitter. Criteria: ACMG Guidelines, 2015. Collection method: clinical testing. Allele origin: germline.

Breakthrough Genomics
Classification: Uncertain significance. Review status: criteria provided, single submitter. Criteria: ACMG Guidelines, 2015. Collection method: not provided. Allele origin: germline. Inheritance: Autosomal recessive inheritance. Affected: yes.

Literature cited by the submitters: PubMed 30293248 (cited by Labcorp Genetics (formerly Invitae), Labcorp and Women's Health and Genetics/Laboratory Corporation of America, LabCorp).